The following is an entry in ClinVar:

ClinVar aggregate classification (germline): Uncertain significance (1 of 4 stars; one submission).

Submission:

Labcorp Genetics (formerly Invitae), Labcorp
Classification: Uncertain significance. Last evaluated: 2022-02-23. Review status: criteria provided, single submitter. Criteria: Invitae Variant Classification Sherloc (09022015). Collection method: clinical testing. Allele origin: germline.
Comment: In summary, the available evidence is currently insufficient to determine the role of this variant in disease. Therefore, it has been classified as a Variant of Uncertain Significance. Algorithms developed to predict the effect of missense changes on protein structure and function are either unavailable or do not agree on the potential impact of this missense change (SIFT: "Deleterious"; PolyPhen-2: "Probably Damaging"; Align-GVGD: "Class C0"). This variant has not been reported in the literature in individuals affected with MESDC2-related conditions. This variant is not present in population databases (gnomAD no frequency). This sequence change replaces leucine, which is neutral and non-polar, with isoleucine, which is neutral and non-polar, at codon 140 of the MESDC2 protein (p.Leu140Ile).

NM_015154.3(MESD):c.418C>A (p.Leu140Ile)

Gene: MESD (mesoderm development LRP chaperone; minus strand). Cytogenetic location: 15q25.1.
Variant type: single nucleotide variant.
Coding change: c.418C>A on transcript NM_015154.3 (MANE Select); coding-DNA position 418, C replaced by A.
Protein change: p.Leu140Ile; replaces leucine 140 with isoleucine.
Molecular consequence: missense variant. On other transcripts: non-coding transcript variant (1).
Genome position (GRCh38, 1-based): chr15:80,981,978, G>T on the plus strand (C>A on the coding strand, the complement: MESD is on the minus strand). VCF-style: chr15-80981978-G-T. GRCh37 (hg19) VCF-style: chr15-81274319-G-T.
Other names: short protein forms L140I.
Identifiers: ClinVar variation 2102366 (VCV002102366.4), dbSNP rs369992727, ClinGen allele CA393253504.